The following is an entry in ClinVar:

ClinVar aggregate classification (germline): Uncertain significance (1 of 4 stars; one submission).

Conditions:
Charcot-Marie-Tooth disease type 4. Also called: Charcot-Marie-Tooth disease, type IV; Charcot-Marie-Tooth, Type 4. Identifiers: Orphanet 64749, MedGen C4082197, MONDO:0018995.

Submission:

Labcorp Genetics (formerly Invitae), Labcorp
Classification: Uncertain significance for Charcot-Marie-Tooth disease type 4. Last evaluated: 2022-11-08. Review status: criteria provided, single submitter. Criteria: Invitae Variant Classification Sherloc (09022015). Collection method: clinical testing. Allele origin: germline.
Comment: This sequence change replaces cysteine, which is neutral and slightly polar, with phenylalanine, which is neutral and non-polar, at codon 7 of the MTMR2 protein (p.Cys7Phe). Information on the frequency of this variant in the gnomAD database is not available, as this variant may be reported differently in the database. This variant has not been reported in the literature in individuals affected with MTMR2-related conditions. ClinVar contains an entry for this variant (Variation ID: 834826). Algorithms developed to predict the effect of missense changes on protein structure and function are either unavailable or do not agree on the potential impact of this missense change (SIFT: "Not Available"; PolyPhen-2: "Benign"; Align-GVGD: "Not Available"). In summary, the available evidence is currently insufficient to determine the role of this variant in disease. Therefore, it has been classified as a Variant of Uncertain Significance.

NM_016156.6(MTMR2):c.20_21delinsTT (p.Cys7Phe)

Gene: MTMR2 (myotubularin related protein 2; minus strand). Cytogenetic location: 11q21.
Variant type: Indel.
Coding change: c.20_21delinsTT on transcript NM_016156.6 (MANE Select); coding-DNA positions 20 to 21, GC replaced by TT.
Protein change: p.Cys7Phe; replaces cysteine 7 with phenylalanine.
Molecular consequence: missense variant. On other transcripts: 5 prime UTR variant (3).
Genome position (GRCh38, 1-based): chr11:95,923,934-95,923,935, GC replaced by AA on the plus strand (GC replaced by TT on the coding strand, the reverse complement: MTMR2 is on the minus strand). VCF-style: chr11-95923934-GC-AA. GRCh37 (hg19) VCF-style: chr11-95657098-GC-AA.
Other names: c.-464_-463delinsTT (NM_001243571.2); c.-391_-390delinsTT (NM_201278.3); c.-268_-267delinsTT (NM_201281.3); short protein forms C7F.
Identifiers: ClinVar variation 834826 (VCV000834826.8), dbSNP rs1867037031, ClinGen allele CA916080437.